The following is an entry in ClinVar:

ClinVar aggregate classification (germline): Uncertain significance. Review status: criteria provided, multiple submitters, no conflicts (2 of 4 stars). 2 submissions from 2 submitters: Uncertain significance (2). Last evaluated 2024-03-17.

Conditions:
RYR1-related disorder. Also called: RYR1-related condition; RYR1-related disorders. Identifiers: MedGen CN239331.
Malignant hyperthermia, susceptibility to, 1 (MHS1). Also called: RYR1-Related Malignant Hyperthermia Susceptibility; Anesthesia related hyperthermia; Malignant hyperpyrexia; Fulminating hyperpyrexia; Pharmacogenic myopathy; Malignant hyperthermia suceptibility 1. Identifiers: Orphanet 423, MedGen C2930980, MONDO:0007783, OMIM 145600.

Allele frequency attached by ClinVar (database versions not stated): TOPMed below 0.00001.
gnomAD v4.1: 1 of 1,614,104 alleles (0.000062%); highest among the groups gnomAD compares: African/African-American, 0.0013%; no homozygotes.

Submissions (2):

Labcorp Genetics (formerly Invitae), Labcorp
Classification: Uncertain significance for RYR1-related disorder. Last evaluated: 2024-03-17. Review status: criteria provided, single submitter. Criteria: Invitae Variant Classification Sherloc (09022015). Collection method: clinical testing. Allele origin: germline.
Comment: This sequence change replaces glutamic acid, which is acidic and polar, with glutamine, which is neutral and polar, at codon 508 of the RYR1 protein (p.Glu508Gln). This variant is not present in population databases (gnomAD no frequency). This missense change has been observed in individual(s) with clinical features of RYR1-related conditions (PMID: 30788618). Advanced modeling of protein sequence and biophysical properties (such as structural, functional, and spatial information, amino acid conservation, physicochemical variation, residue mobility, and thermodynamic stability) has been performed at Invitae for this missense variant, however the output from this modeling did not meet the statistical confidence thresholds required to predict the impact of this variant on RYR1 protein function. In summary, the available evidence is currently insufficient to determine the role of this variant in disease. Therefore, it has been classified as a Variant of Uncertain Significance.

All of Us Research Program, National Institutes of Health
Classification: Uncertain significance for Malignant hyperthermia, susceptibility to, 1. Last evaluated: 2023-02-24. Review status: criteria provided, single submitter. Criteria: ACMG Guidelines, 2015. Collection method: clinical testing. Allele origin: germline. Inheritance: Autosomal dominant inheritance. Observed: 1 variant allele, 1 heterozygote.
Comment: This missense variant replaces glutamic acid with glutamine at codon 508 of the RYR1 protein. Computational prediction suggests that this variant may have deleterious impact on protein structure and function (internally defined REVEL score threshold >= 0.7, PMID: 27666373). Although functional studies have not been reported for this variant, it occurs in a region of RYR1 considered to be a hotspot for pathogenic variants that contribute to malignant hyperthermia susceptibility (PMID: 21118704). This variant has not been reported in individuals affected with malignant hyperthermia susceptibility in the literature. This variant has not been identified in the general population by the Genome Aggregation Database (gnomAD). The available evidence is insufficient to determine the role of this variant in disease conclusively. Therefore, this variant is classified as a Variant of Uncertain Significance.

This study involves interpretation of variants in research participants for the purpose of population health screening. Participant phenotype was not available at the time of variant classification. Additional details can be found in publication PMID: 35346344, PMCID: PMC8962531

Literature cited by the submitters: PubMed 30788618 (cited by Labcorp Genetics (formerly Invitae), Labcorp); PubMed 21118704 (cited by All of Us Research Program, National Institutes of Health).

NM_000540.3(RYR1):c.1522G>C (p.Glu508Gln)

Genes: RYR1 (ryanodine receptor 1; plus strand), LOC129391106 (MPRA-validated peak3472 silencer; plus strand). Cytogenetic location: 19q13.2.
Variant type: single nucleotide variant.
Coding change: c.1522G>C on transcript NM_000540.3 (MANE Select); coding-DNA position 1522, G replaced by C.
Protein change: p.Glu508Gln; replaces glutamic acid 508 with glutamine.
Molecular consequence: missense variant.
Genome position (GRCh38, 1-based): chr19:38,455,316, G>C. VCF-style: chr19-38455316-G-C. GRCh37 (hg19) VCF-style: chr19-38945956-G-C.
Other names: c.1522G>C, p.Glu508Gln (NM_001042723.2); short protein forms E508Q.
Identifiers: ClinVar variation 3069511 (VCV003069511.3), dbSNP rs1030637532, ClinGen allele CA308123001.
Genomic context (GRCh38, chr19:38,455,316, plus strand): 5'-AATTGCATAGACCGCCTAAATGTCTACACCACTGCTGCCCACTTTGCTGAGTTTGCAGGG[G>C]AGGAGGCAGCCGAGTCCTGGAAAGAGATTGTGAATCTTCTCTATGAACTCCTAGGTAGGG-3'
Protein context (NP_000531.2, residues 498-518): TAAHFAEFAG[Glu508Gln]EAAESWKEIV